The following is an entry in ClinVar:

NM_000079.4(CHRNA1):c.1047G>A (p.Met349Ile)

Gene: CHRNA1 (cholinergic receptor nicotinic alpha 1 subunit; minus strand). Cytogenetic location: 2q31.1.
Variant type: single nucleotide variant.
Coding change: c.1047G>A on transcript NM_000079.4 (MANE Select); coding-DNA position 1047, G replaced by A.
Protein change: p.Met349Ile; replaces methionine 349 with isoleucine.
Molecular consequence: missense variant.
Genome position (GRCh38, 1-based): chr2:174,748,775, C>T on the plus strand (G>A on the coding strand, the complement: CHRNA1 is on the minus strand). VCF-style: chr2-174748775-C-T. GRCh37 (hg19) VCF-style: chr2-175613503-C-T.
Other names: c.1122G>A, p.Met374Ile (NM_001039523.3); short protein forms M349I, M374I.
Identifiers: ClinVar variation 1447815 (VCV001447815.6), dbSNP rs1683788450, ClinGen allele CA349335197.
Genomic context (GRCh38, chr2:174,748,775, plus strand): 5'-AGAGATATCAATGTCTTCTGTAAAAATCTTTTTGTCTTGCTTTTCTCTGGATGGTCTTTT[C>T]ATTGTGGAGAAAAACATGATATTTGGGATAGTGTCGATAAAAACCTAACATAAAAAAGAA-3'
Protein context (NP_000070.1, residues 339-359): TIPNIMFFST[Met349Ile]KRPSREKQDK

ClinVar aggregate classification (germline): Uncertain significance (1 of 4 stars; one submission).

Conditions:
Lethal multiple pterygium syndrome (LMPS). Identifiers: Orphanet 33108, MedGen C1854678, MONDO:0009668, OMIM 253290.

Allele frequency attached by ClinVar (database versions not stated): gnomAD exomes below 0.00001; TOPMed 0.00001.
gnomAD v4.1: 1 of 1,614,080 alleles (0.000062%); highest among the groups gnomAD compares: Non-Finnish European, 0.000085%; no homozygotes.

Submission:

Labcorp Genetics (formerly Invitae), Labcorp
Classification: Uncertain significance for Lethal multiple pterygium syndrome. Last evaluated: 2022-07-26. Review status: criteria provided, single submitter. Criteria: Invitae Variant Classification Sherloc (09022015). Collection method: clinical testing. Allele origin: germline.
Comment: Advanced modeling of protein sequence and biophysical properties (such as structural, functional, and spatial information, amino acid conservation, physicochemical variation, residue mobility, and thermodynamic stability) performed at Invitae indicates that this missense variant is not expected to disrupt CHRNA1 protein function. In summary, the available evidence is currently insufficient to determine the role of this variant in disease. Therefore, it has been classified as a Variant of Uncertain Significance. ClinVar contains an entry for this variant (Variation ID: 1447815). This variant has not been reported in the literature in individuals affected with CHRNA1-related conditions. This variant is not present in population databases (gnomAD no frequency). This sequence change replaces methionine, which is neutral and non-polar, with isoleucine, which is neutral and non-polar, at codon 349 of the CHRNA1 protein (p.Met349Ile).